The following is an entry in ClinVar:

ClinVar aggregate classification (germline): Likely pathogenic (1 of 4 stars; one submission).

Allele frequency attached by ClinVar (database versions not stated): gnomAD exomes 0.00001; ExAC 0.00002.
gnomAD v4.1: 4 of 1,613,898 alleles (0.00025%); highest among the groups gnomAD compares: Non-Finnish European, 0.00034%; no homozygotes.

Submission:

Labcorp Genetics (formerly Invitae), Labcorp
Classification: Likely pathogenic. Last evaluated: 2022-06-13. Review status: criteria provided, single submitter. Criteria: Invitae Variant Classification Sherloc (09022015). Collection method: clinical testing. Allele origin: germline.
Comment: In summary, the currently available evidence indicates that the variant is pathogenic, but additional data are needed to prove that conclusively. Therefore, this variant has been classified as Likely Pathogenic. Algorithms developed to predict the effect of sequence changes on RNA splicing suggest that this variant may disrupt the consensus splice site. ClinVar contains an entry for this variant (Variation ID: 1068204). This variant has not been reported in the literature in individuals affected with USH2A-related conditions. This variant is present in population databases (rs753423216, gnomAD 0.003%). This sequence change affects a donor splice site in intron 16 of the USH2A gene. It is expected to disrupt RNA splicing. Variants that disrupt the donor or acceptor splice site typically lead to a loss of protein function (PMID: 16199547), and loss-of-function variants in USH2A are known to be pathogenic (PMID: 10729113, 10909849, 20507924, 25649381).

Literature cited by the submitters: PubMed 16199547; PubMed 10729113; PubMed 10909849; PubMed 20507924; PubMed 25649381.

NM_206933.4(USH2A):c.3316+2T>A

Genes: USH2A (usherin; minus strand), USH2A-AS1 (USH2A antisense RNA 1; plus strand). Cytogenetic location: 1q41.
Variant type: single nucleotide variant.
Coding change: c.3316+2T>A on transcript NM_206933.4 (MANE Select); the canonical splice donor site of the intron after coding-DNA position 3316, T replaced by A.
Molecular consequence: splice donor variant.
Genome position (GRCh38, 1-based): chr1:216,207,271, A>T on the plus strand (T>A on the coding strand, the complement: USH2A is on the minus strand). VCF-style: chr1-216207271-A-T. GRCh37 (hg19) VCF-style: chr1-216380613-A-T.
Other names: c.3316+2T>A (NM_007123.6).
Identifiers: ClinVar variation 1068204 (VCV001068204.9), dbSNP rs753423216, ClinGen allele CA1396036.
Genomic context (GRCh38, chr1:216,207,271, plus strand): 5'-GAACTTAACTAATGTGTCAATTCTCAGAATATTTATTTCTATTACCAAACCCTTAAACTC[A>T]CTGTATGGGTATTGATCCTCTGTTGTGTAGATTTCAAAACCATCCCTGAGTAAACTGTAA-3'